The following is an entry in ClinVar:

ClinVar aggregate classification (germline): Uncertain significance. Review status: criteria provided, multiple submitters, no conflicts (2 of 4 stars). 3 submissions from 3 submitters: Uncertain significance (3). Last evaluated 2025-05-28.

Conditions:
Inborn genetic diseases. Identifiers: MedGen C0950123, MeSH D030342.

gnomAD v4.1: 34 of 1,613,250 alleles (0.0021%); highest among the groups gnomAD compares: Non-Finnish European, 0.0029%; no homozygotes.

Submissions (3):

Ambry Genetics
Classification: Uncertain significance for Inborn genetic diseases. Last evaluated: 2025-05-28. Review status: criteria provided, single submitter. Criteria: Ambry Variant Classification Scheme 2023. Collection method: clinical testing. Allele origin: germline.

Labcorp Genetics (formerly Invitae), Labcorp
Classification: Uncertain significance. Last evaluated: 2022-04-02. Review status: criteria provided, single submitter. Criteria: Invitae Variant Classification Sherloc (09022015). Collection method: clinical testing. Allele origin: germline.
Comment: This sequence change replaces serine, which is neutral and polar, with tryptophan, which is neutral and slightly polar, at codon 283 of the DNAJC21 protein (p.Ser283Trp). This variant is present in population databases (rs758003234, gnomAD 0.003%). This variant has not been reported in the literature in individuals affected with DNAJC21-related conditions. ClinVar contains an entry for this variant (Variation ID: 1337638). Algorithms developed to predict the effect of missense changes on protein structure and function are either unavailable or do not agree on the potential impact of this missense change (SIFT: "Deleterious"; PolyPhen-2: "Probably Damaging"; Align-GVGD: "Class C15"). In summary, the available evidence is currently insufficient to determine the role of this variant in disease. Therefore, it has been classified as a Variant of Uncertain Significance.

Genetic Services Laboratory, University of Chicago
Classification: Uncertain significance. Last evaluated: 2020-05-18. Review status: criteria provided, single submitter. Criteria: ACMG Guidelines, 2015. Collection method: clinical testing. Allele origin: germline. Affected: no.
Comment: DNA sequence analysis of the DNAJC21 gene demonstrated a sequence change, c.848C>G, in exon 6 that results in an amino acid change, p.Ser283Trp. This sequence change does not appear to have been previously described in patients with DNAJC21-related disorders and has been described in the gnomAD database with a low population frequency of 0.0016% (dbSNP rs758003234). The p.Ser283Trp change affects a highly conserved amino acid residue located in a domain of the DNAJC21 protein that is not known to be functional. In-silico pathogenicity prediction tools (SIFT, PolyPhen2, Align GVGD, REVEL) provide contradictory results for the p.Ser283Trp substitution. Due to these contrasting evidences and the lack of functional studies, the clinical significance of the p.Ser283Trp change remains unknown at this time.

NM_001012339.3(DNAJC21):c.848C>G (p.Ser283Trp)

Gene: DNAJC21 (DnaJ heat shock protein family (Hsp40) member C21; plus strand). Cytogenetic location: 5p13.2.
Variant type: single nucleotide variant.
Coding change: c.848C>G on transcript NM_001012339.3 (MANE Select); coding-DNA position 848, C replaced by G.
Protein change: p.Ser283Trp; replaces serine 283 with tryptophan.
Molecular consequence: missense variant.
Genome position (GRCh38, 1-based): chr5:34,938,962, C>G. VCF-style: chr5-34938962-C-G. GRCh37 (hg19) VCF-style: chr5-34939067-C-G.
Other names: c.848C>G, p.Ser283Trp (NM_001348420.2, NM_194283.4); c.848C>G (NM_194283.3); short protein forms S283W.
Identifiers: ClinVar variation 1337638 (VCV001337638.7), dbSNP rs758003234, ClinGen allele CA3228598.